The following is an entry in ClinVar:

ClinVar aggregate classification (germline): Uncertain significance (1 of 4 stars; one submission).

Conditions:
Hereditary cancer-predisposing syndrome. Also called: Neoplastic Syndromes, Hereditary; Tumor predisposition; Hereditary Cancer Syndrome; Hereditary neoplastic syndrome. Identifiers: Orphanet 140162, MedGen C0027672, MeSH D009386, MONDO:0015356.

Submission:

Ambry Genetics
Classification: Uncertain significance for Hereditary cancer-predisposing syndrome. Last evaluated: 2026-03-30. Review status: criteria provided, single submitter. Criteria: Ambry Variant Classification Scheme 2023. Collection method: clinical testing. Allele origin: germline.
Comment: The p.L360I variant (also known as c.1078C>A), located in coding exon 6 of the PDGFRA gene, results from a C to A substitution at nucleotide position 1078. The leucine at codon 360 is replaced by isoleucine, an amino acid with highly similar properties. This amino acid position is conserved. In addition, this alteration is predicted to be tolerated by in silico analysis. Based on the available evidence, the clinical significance of this variant remains unclear.

NM_006206.6(PDGFRA):c.1078C>A (p.Leu360Ile)

Gene: PDGFRA (platelet derived growth factor receptor alpha; plus strand). Cytogenetic location: 4q12.
Variant type: single nucleotide variant.
Coding change: c.1078C>A on transcript NM_006206.6 (MANE Select); coding-DNA position 1078, C replaced by A.
Protein change: p.Leu360Ile; replaces leucine 360 with isoleucine.
Molecular consequence: missense variant.
Genome position (GRCh38, 1-based): chr4:54,267,698, C>A. VCF-style: chr4-54267698-C-A. GRCh37 (hg19) VCF-style: chr4-55133865-C-A.
Other names: c.1078C>A, p.Leu360Ile (NM_001347827.2, NM_001347829.2); c.1153C>A, p.Leu385Ile (NM_001347828.2); c.1117C>A, p.Leu373Ile (NM_001347830.2); short protein forms L360I, L373I, L385I.
Identifiers: ClinVar variation 4861710 (VCV004861710.1).
Genomic context (GRCh38, chr4:54,267,698, plus strand): 5'-CGGGCCTACCCACCTCCCAGGATATCCTGGCTGAAAAACAATCTGACTCTGATTGAAAAT[C>A]TCACTGAGATCACCACTGATGTGGAAAAGATTCAGGAAATAAGGTAAAGAAACTCTCTGC-3'
Protein context (NP_006197.1, residues 350-370): LKNNLTLIEN[Leu360Ile]TEITTDVEKI